The following is an entry in ClinVar:

ClinVar aggregate classification (germline): Uncertain significance (1 of 4 stars; one submission).

Allele frequency attached by ClinVar (database versions not stated): gnomAD exomes below 0.00001.
gnomAD v4.1: 1 of 1,614,208 alleles (0.000062%); highest among the groups gnomAD compares: Non-Finnish European, 0.000085%; no homozygotes.

Submission:

GeneDx
Classification: Uncertain significance. Last evaluated: 2020-07-06. Review status: criteria provided, single submitter. Criteria: GeneDx Variant Classification Process June 2021. Collection method: clinical testing. Allele origin: germline. Affected: yes.
Comment: Not observed in large population cohorts (Lek et al., 2016); In silico analysis supports that this missense variant does not alter protein structure/function; Has not been previously published as pathogenic or benign to our knowledge

NM_001377229.1(DISP1):c.3701C>G (p.Ala1234Gly)

Gene: DISP1 (dispatched RND transporter family member 1; plus strand). Cytogenetic location: 1q41.
Variant type: single nucleotide variant.
Coding change: c.3701C>G on transcript NM_001377229.1 (MANE Select); coding-DNA position 3701, C replaced by G.
Protein change: p.Ala1234Gly; replaces alanine 1234 with glycine.
Molecular consequence: missense variant.
Genome position (GRCh38, 1-based): chr1:223,005,098, C>G. VCF-style: chr1-223005098-C-G. GRCh37 (hg19) VCF-style: chr1-223178440-C-G.
Other names: c.2972C>G, p.Ala991Gly (NM_001350630.2); c.3701C>G, p.Ala1234Gly (NM_001369594.1, NM_001377228.1, NM_032890.5); short protein forms A1234G, A991G.
Identifiers: ClinVar variation 1312984 (VCV001312984.2), dbSNP rs1679792048, ClinGen allele CA344690264.
Genomic context (GRCh38, chr1:223,005,098, plus strand): 5'-ACATCTGCTCTGAATTTTTCAACAGCCAAGCAAAGAATTTAGGGATGCCTGTGCATGCAG[C>G]TTACAACAGTGAACTCAGCAAAAGCACTGAAAGTGACGCTGGCTCTGCCTTGTTACAGCC-3'
Protein context (NP_001364158.1, residues 1224-1244): AKNLGMPVHA[Ala1234Gly]YNSELSKSTE